The following is an entry in ClinVar:

ClinVar aggregate classification (germline): Benign (1 of 4 stars; one submission).

Allele frequency attached by ClinVar (database versions not stated): 1000 Genomes Project 0.65455; 1000 Genomes Project 30x 0.66318; gnomAD 0.74333 and 0.75389; TOPMed 0.74336.
gnomAD v4.1: 112,842 of 152,174 alleles (74%); highest among the groups gnomAD compares: African/African-American, 89%; 43,199 homozygotes.

Submission:

GeneDx
Classification: Benign. Last evaluated: 2018-06-14. Review status: criteria provided, single submitter. Criteria: GeneDx Variant Classification (06012015). Collection method: clinical testing. Allele origin: germline. Affected: yes.
Comment: This variant is considered likely benign or benign based on one or more of the following criteria: it is a conservative change, it occurs at a poorly conserved position in the protein, it is predicted to be benign by multiple in silico algorithms, and/or has population frequency not consistent with disease.

NM_015340.4(LARS2):c.456-247T>C

Gene: LARS2 (leucyl-tRNA synthetase 2, mitochondrial; plus strand). Cytogenetic location: 3p21.31.
Variant type: single nucleotide variant.
Coding change: c.456-247T>C on transcript NM_015340.4 (MANE Select); 247 bases into the intron before coding-DNA position 456, T replaced by C.
Molecular consequence: intron variant.
Genome position (GRCh38, 1-based): chr3:45,419,422, T>C. VCF-style: chr3-45419422-T-C. GRCh37 (hg19) VCF-style: chr3-45460914-T-C.
Other names: c.456-247T>C (NM_001368263.1).
Identifiers: ClinVar variation 684169 (VCV000684169.1), dbSNP rs854202, ClinGen allele CA11550823.
Genomic context (GRCh38, chr3:45,419,422, plus strand): 5'-GGGCCAGCAGTGCACATCTCAAAGGGGTTGCCTATTTGAATGGCCAGGGGAAGGGGCAGT[T>C]CTCAAGGCCAAAGACCATTGTGGTTTCTAGTGGATTCTGTATATGTCCAAATAATGGGTG-3'